The following is an entry in ClinVar:

NM_007294.4(BRCA1):c.2595G>C (p.Lys865Asn)

Gene: BRCA1 (BRCA1 DNA repair associated; minus strand). Cytogenetic location: 17q21.31.
Variant type: single nucleotide variant.
Coding change: c.2595G>C on transcript NM_007294.4 (MANE Select); coding-DNA position 2595, G replaced by C.
Protein change: p.Lys865Asn; replaces lysine 865 with asparagine.
Molecular consequence: missense variant. On other transcripts: intron variant (137).
Genome position (GRCh38, 1-based): chr17:43,092,936, C>G on the plus strand (G>C on the coding strand, the complement: BRCA1 is on the minus strand). VCF-style: chr17-43092936-C-G. GRCh37 (hg19) VCF-style: chr17-41244953-C-G.
Other names: c.784+1808G>C (NM_001407992.1, NM_001408400.1, NM_001408392.1 and 13 more transcripts); c.664+1808G>C (NM_001408440.1, NM_001408428.1, NM_001408441.1 and 12 more transcripts); c.671-1904G>C (NM_001408418.1, NM_001408423.1, NM_001408420.1 and 2 more transcripts); c.787+1808G>C (NM_001407981.1, NM_007298.4, NM_001407978.1 and 17 more transcripts); c.643+1808G>C (NM_001408462.1, NM_001408470.1, NM_001408464.1 and 3 more transcripts); c.709+1808G>C (NM_001408414.1, NM_001408411.1, NM_001408415.1 and 2 more transcripts); c.577+1808G>C (NM_001408514.1, NM_001408485.1, NM_001408483.1 and 9 more transcripts); c.661+1808G>C (NM_001408447.1, NM_001408433.1, NM_001408446.1 and 6 more transcripts); and 41 more; short protein forms K818N, K865N, K569N, K794N, K862N, K697N, K754N, K795N.
Identifiers: ClinVar variation 1044289 (VCV001044289.15), dbSNP rs1268762258, ClinGen allele CA10596803.

ClinVar aggregate classification (germline): Conflicting classifications of pathogenicity. Review status: criteria provided, conflicting classifications (1 of 4 stars). 3 submissions from 3 submitters: Uncertain significance (2); Likely benign (1). Last evaluated 2023-08-14.

Conditions:
Hereditary cancer-predisposing syndrome. Also called: Hereditary Cancer Syndrome; Tumor predisposition; Hereditary neoplastic syndrome; Neoplastic Syndromes, Hereditary. Identifiers: Orphanet 140162, MedGen C0027672, MeSH D009386, MONDO:0015356.
Hereditary breast ovarian cancer syndrome. Also called: Hereditary breast and ovarian cancer syndrome (HBOC); Breast and ovarian cancer; Hereditary breast and ovarian cancer syndrome; Hereditary breast and ovarian cancer; Hereditary breast and/or ovarian cancer syndrome; BRCA1- and BRCA2-Associated Hereditary Breast and Ovarian Cancer. Identifiers: Orphanet 145, MedGen C0677776, MeSH D061325, MONDO:0003582. Disease mechanism: loss of function.

Submissions (3):

Ambry Genetics
Classification: Uncertain significance for Hereditary cancer-predisposing syndrome. Last evaluated: 2023-08-14. Review status: criteria provided, single submitter. Criteria: Ambry Variant Classification Scheme 2023. Collection method: clinical testing. Allele origin: germline.
Comment: The p.K865N variant (also known as c.2595G>C), located in coding exon 9 of the BRCA1 gene, results from a G to C substitution at nucleotide position 2595. The lysine at codon 865 is replaced by asparagine, an amino acid with similar properties. This amino acid position is well conserved in available vertebrate species. In addition, the in silico prediction for this alteration is inconclusive. Since supporting evidence is limited at this time, the clinical significance of this alteration remains unclear.

University of Washington Department of Laboratory Medicine, University of Washington
Classification: Likely benign for Hereditary cancer-predisposing syndrome. Last evaluated: 2023-03-23. Review status: criteria provided, single submitter. Criteria: Dines et al. (Genet Med. 2020). Collection method: curation. Allele origin: germline.
Comment: Missense variant in a coldspot region where missense variants are very unlikely to be pathogenic (PMID:31911673).

BRCA1 coldspot (exon 11 using historical exon numbering). Reclassification based on statistical prior probability

Labcorp Genetics (formerly Invitae), Labcorp
Classification: Uncertain significance for Hereditary breast ovarian cancer syndrome. Last evaluated: 2022-08-15. Review status: criteria provided, single submitter. Criteria: Invitae Variant Classification Sherloc (09022015). Collection method: clinical testing. Allele origin: germline.
Comment: This sequence change replaces lysine, which is basic and polar, with asparagine, which is neutral and polar, at codon 865 of the BRCA1 protein (p.Lys865Asn). In summary, the available evidence is currently insufficient to determine the role of this variant in disease. Therefore, it has been classified as a Variant of Uncertain Significance. Advanced modeling of protein sequence and biophysical properties (such as structural, functional, and spatial information, amino acid conservation, physicochemical variation, residue mobility, and thermodynamic stability) performed at Invitae indicates that this missense variant is not expected to disrupt BRCA1 protein function. ClinVar contains an entry for this variant (Variation ID: 1044289). This variant has not been reported in the literature in individuals affected with BRCA1-related conditions. This variant is not present in population databases (gnomAD no frequency).